The following is an entry in ClinVar:

NM_001365088.1(SLC12A6):c.985A>G (p.Met329Val)

Gene: SLC12A6 (solute carrier family 12 member 6; minus strand). Cytogenetic location: 15q14.
Variant type: single nucleotide variant.
Coding change: c.985A>G on transcript NM_001365088.1 (MANE Select); coding-DNA position 985, A replaced by G.
Protein change: p.Met329Val; replaces methionine 329 with valine.
Molecular consequence: missense variant.
Genome position (GRCh38, 1-based): chr15:34,254,481, T>C on the plus strand (A>G on the coding strand, the complement: SLC12A6 is on the minus strand). VCF-style: chr15-34254481-T-C. GRCh37 (hg19) VCF-style: chr15-34546682-T-C.
Other names: c.808A>G, p.Met270Val (NM_001042494.2, NM_001042495.2); c.958A>G, p.Met320Val (NM_001042496.2); c.940A>G, p.Met314Val (NM_001042497.2); c.832A>G, p.Met278Val (NM_005135.2); c.985A>G, p.Met329Val (NM_133647.2); short protein forms M270V, M314V, M329V, M278V, M320V.
Identifiers: ClinVar variation 2405843 (VCV002405843.3), dbSNP rs2509816990, ClinGen allele CA391609232.

ClinVar aggregate classification (germline): Uncertain significance (1 of 4 stars; one submission).

Conditions:
Inborn genetic diseases. Identifiers: MedGen C0950123, MeSH D030342.

Submission:

Ambry Genetics
Classification: Uncertain significance for Inborn genetic diseases. Last evaluated: 2026-08-31. Review status: criteria provided, single submitter. Criteria: Ambry Variant Classification Scheme 2023. Collection method: clinical testing. Allele origin: germline.
Comment: The c.985A>G (p.M329V) alteration is located in exon 8 (coding exon 8) of the SLC12A6 gene. This alteration results from a A to G substitution at nucleotide position 985, causing the methionine (M) at amino acid position 329 to be replaced by a valine (V). This variant was not reported in population-based cohorts in the Genome Aggregation Database (gnomAD). This amino acid position is well conserved in available vertebrate species. This alteration is predicted to be deleterious by in silico analysis. Based on insufficient or conflicting evidence, the clinical significance of this alteration remains unclear.